The following continues an entry in ClinVar:

NM_002834.5(PTPN11):c.236A>G (p.Gln79Arg)

Gene: PTPN11. ClinVar aggregate classification (germline): Pathogenic. Pathogenic (28).

Submissions 10 to 23 of 35:

Ambry Genetics
Classification: Pathogenic for Cardiovascular phenotype. Last evaluated: 2023-07-03. Review status: criteria provided, single submitter. Criteria: Ambry Variant Classification Scheme 2023. Collection method: clinical testing. Allele origin: germline.
Comment: The c.236A>G (p.Q79R) alteration is located in exon 3 (coding exon 3) of the PTPN11 gene. This alteration results from an A to G substitution at nucleotide position 236, causing the glutamine (Q) at amino acid position 79 to be replaced by an arginine (R). This clinical significance of this variant is unclear for metachondromatosis; however, it would be expected to be causative of PTPN11-related RASopathy based on mechanism of disease. This variant was not reported in population-based cohorts in the Genome Aggregation Database (gnomAD). This mutation segregated in 3 individuals with Noonan syndrome and was absent from 2 unaffected individuals in one family (Tartaglia, 2001); it was also identified in a sporadic case (Tartaglia, 2001) and de novo in another affected individual (Karbach, 2012). This amino acid position is highly conserved in available vertebrate species. Activity studies in rat neonatal cardiomyocytes showed this alteration results in a gain-of-function of the protein, with a 4.5 times higher activity compared to wild type (Krenz, 2005). This alteration is predicted to be deleterious by in silico analysis. Based on the available evidence, this alteration is classified as pathogenic.

Institute for Clinical Genetics, University Hospital TU Dresden, University Hospital TU Dresden
Classification: Pathogenic. Last evaluated: 2022-08-17. Review status: criteria provided, single submitter. Criteria: ACMG Guidelines, 2015. Collection method: clinical testing. Allele origin: germline.

Genesolutions, Medical Genetics Institutes, Ho Chi Minh City, Vietnam
Classification: Pathogenic for Noonan syndrome 1. Last evaluated: 2022-06-22. Review status: criteria provided, single submitter. Criteria: ACMG Guidelines, 2015. Collection method: clinical testing. Allele origin: de novo. Affected: yes. Observed: 1 variant allele.

GeneDx
Classification: Pathogenic. Last evaluated: 2022-05-03. Review status: criteria provided, single submitter. Criteria: GeneDx Variant Classification Process June 2021. Collection method: clinical testing. Allele origin: germline. Affected: yes.
Comment: In vitro expression of PTPN11-Q79R in cardiac cell cushions from chick embryos resulted in increased phosphatase activity and significantly increased outgrowth of cushion cells compared to wild-type protein expression (Krenz et al., 2005); Not observed in large population cohorts (gnomAD); Missense variants in this gene are often considered pathogenic (HGMD); In silico analysis supports that this missense variant has a deleterious effect on protein structure/function; Located in the N-SH2 domain (Gelb 2018); This variant is associated with the following publications: (PMID: 22848035, 19017799, 17641779, 11704759, 24803665, 17020470, 16987887, 26855057, 11992261, 29396779, 12529711, 16166557, 19251646, 26607044, 22681964, 27521173, 27348588, 26817465, 12634870, 29084544, 29766225, 30417923, 30050098, 29907801, 31219622, 31560489, 32164556, 33318624, 34008892, 34006472, 35440950, 35178568, 29493581)

Mayo Clinic Laboratories, Mayo Clinic
Classification: Pathogenic. Last evaluated: 2022-03-14. Review status: criteria provided, single submitter. Criteria: ACMG Guidelines, 2015. Collection method: clinical testing. Allele origin: germline. Observed: 9 variant alleles.
Comment: PP2, PP3, PM1, PM2_supporting, PS2, PS3, PS4

Laboratory of Medical Genetics, National & Kapodistrian University of Athens
Classification: Pathogenic for Noonan syndrome 1. Last evaluated: 2021-10-01. Review status: criteria provided, single submitter. Criteria: ACMG Guidelines, 2015. Collection method: clinical testing. Allele origin: unknown. Affected: yes.
Comment: PM1, PM2, PM5, PP3, PP4, PP5

New York Genome Center
Classification: Pathogenic for Noonan syndrome 1. Last evaluated: 2021-08-20. Review status: criteria provided, single submitter. Criteria: NYGC Assertion Criteria 2020. Collection method: clinical testing. Allele origin: de novo. Affected: yes. Observed: 1 heterozygote. Study: PrenatalSEQ.
Comment: The de novo c.236A>G (p.Gln79Arg) variant identified in the PTPN11 gene substitutes a well conserved Glutamine for Arginine at amino acid 79/594 (exon 3/16). This variant is absent from gnomAD(v3.1.1) suggesting it is not a common benign variant in the populations represented in that database. In silico algorithms predict this variant to be Pathogenic (REVEL; score:0.933) and Damaging (SIFT; score:0.003) to the function of the canonical transcript. This variant is reported in ClinVar as Pathogenic/Likely Pathogenic (VarID:13340), and has been reported in many individuals in the literature with Noonan syndrome [PMID:12529711, 17020470, 26817465, 32164556, others] including a large multigeneration family with which it segregated with Noonan syndrome [PMID:12529711]. Functional studies suggest that the p.Gln79Arg variant increases ERK1/2 signaling [PMID:16166557]. The p.Gln79 residue is within the N-terminal SH2 domain, which is a hot spot for pathogenic PTPN11 variation [PMID:32164556]. Given its presence de novo in a mutational hotspot, absence in population databases, presence in many affected individuals in the literature, and functional studies suggesting increased MAPK signaling, the c.236A>G (p.Gln79Arg) variant identified in the PTPN11 gene is reported as Pathogenic.

Genome Diagnostics Laboratory, The Hospital for Sick Children
Classification: Pathogenic for Noonan syndrome and Noonan-related syndrome. Last evaluated: 2021-05-27. Review status: criteria provided, single submitter. Criteria: ACMG Guidelines, 2015. Collection method: clinical testing. Allele origin: germline. Affected: yes.

Revvity Omics, Revvity
Classification: Pathogenic. Last evaluated: 2019-05-07. Review status: criteria provided, single submitter. Criteria: ACMG Guidelines, 2015. Collection method: clinical testing. Allele origin: germline.

Illumina Laboratory Services, Illumina
Classification: Pathogenic for Noonan syndrome 1. Last evaluated: 2019-02-26. Review status: criteria provided, single submitter. Criteria: ICSLVariantClassificationCriteria RUGD 01 April 2020. Collection method: clinical testing. Allele origin: unknown.
Comment: Across a selection of the available literature, the PTPN11 c.236A>G (p.Gln79Arg) missense variant has been identified in a heterozygous state in at least 13 individuals from four unrelated families affected with Noonan syndrome (Schollen et al. 2003; Niihori et al. 2005; Atik et al. 2016). Schollen et al. (2003) reported a large four generation Belgian family with ten affected members, in whom the p.Gln79Arg variant segregated with Noonan syndrome. The p.Gln79Arg variant was absent from 100 healthy controls and is not reported in the Genome Aggregation Database in a region of good sequence coverage, suggesting that it is rare. The Gln79 residue in present in the N-SH2 domain, which functions as an intra-molecular switch to control the protein's catalytic activity (Schollen et al. 2003; Nakamura et al. 2007). Functional studies in HEK293 cells, rat cardiomyocytes and chick valve explants found that the p.Gln79Arg is a gain-of-function variant resulting in increased MAPK 1/2 signaling and thereby increased growth, which can be reversed by use of MAPK 1/2 inhibitors (Niihori et al. 2005; Krenz et al. 2005). In addition, transgenic mice expressing the p.Gln79Arg variant protein in cardiomyocytes during gestation, showed altered cardiomyocyte cell cycling, ventricular noncompaction, and ventricular septal defects (Nakamura et al. 2007). Based on the collective evidence and application of the ACMG criteria, the p.Gln79Arg variant is classified as pathogenic for Noonan syndrome.

Fulgent Genetics
Classification: Pathogenic for LEOPARD syndrome 1; Metachondromatosis; Noonan syndrome 1; Juvenile myelomonocytic leukemia. Last evaluated: 2017-05-18. Review status: criteria provided, single submitter. Criteria: ACMG Guidelines, 2015. Collection method: clinical testing. Allele origin: unknown.

Center for Human Genetics, Inc
Classification: Pathogenic for Noonan syndrome 1. Last evaluated: 2016-11-01. Review status: criteria provided, single submitter. Criteria: ACMG Guidelines, 2015. Collection method: clinical testing. Allele origin: germline. Affected: yes.

Women's Health and Genetics/Laboratory Corporation of America, LabCorp
Classification: Pathogenic for Noonan syndrome 3. Last evaluated: 2016-08-15. Review status: criteria provided, single submitter. Criteria: LabCorp Variant Classification Summary - May 2015. Collection method: clinical testing. Allele origin: germline.
Comment: Variant summary: The PTPN11 c.236A>G (p.Gln79Arg) variant involves the alteration of a conserved nucleotide. 3/4 in silico tools predict a damaging outcome for this variant. It is located at N-SH2 domain of the protein (InterPro) which is a known functionally important domain in PTPN11 protein. This variant is absent in 121794 control chromosomes. This variant has been widely reported as a pathogenic variant in literature found in many Noonan Syndrome (NS) and/or Noonan Syndrome and Related Conditions (NSRD), including reports of de novo occurrences and co-segregation with disease (Tartaglia_2001, Schollen_2003, Niihori_2005, Ezquieta_2012, Karback_2012). In vitro studies show that this mutant results in significantly elevated phosphatase activity and endocardial cushion growth (Krenz_2005). Furthermore, in vivo mice expression model showed that this mutant leads to embryonic lethality and the embryonic hearts showed altered cardiomyocyte cell cycling ventricular noncompaction, and ventricular septal defects. Fetal expression of Q79R led to the specific activation of the ERK1/2 pathway, and breeding Q79R transgenics into Erk1/2-null backgrounds confirmed that the pathway was necessary and sufficient for mediating the effects of mutant Shp2 (Nakamura_2007). Another variant at the same residue, p.Q79K, has also been reported in NSRD patients (PMIDs: 12960218, 22848035, 16358218) and is classified as likely pathogenic by a clinical lab in ClinVar. Several clinical diagnostic laboratories/reputable databases have classified this variant as pathogenic. Taken together, this variant is classified as Pathogenic.

Molecular Diagnostics Lab, Nemours Children's Health, Delaware
Classification: Pathogenic. Last evaluated: 2015-09-29. Review status: criteria provided, single submitter. Criteria: ACMG Guidelines, 2015. Collection method: clinical testing. Allele origin: unknown. Affected: yes. Observed: 2 variant alleles.